The following is an entry in ClinVar:

ClinVar aggregate classification (germline): Pathogenic. Review status: criteria provided, single submitter (1 of 4 stars). 2 submissions from 2 submitters: Pathogenic (1). 1 of the submissions does not count toward it. Last evaluated 2024-08-27.

Conditions:
Persistent mullerian duct syndrome, type I. Identifiers: MedGen C3897939.

Submissions (2):

GeneDx
Classification: Pathogenic. Last evaluated: 2024-08-27. Review status: criteria provided, single submitter. Criteria: GeneDx Variant Classification Process June 2021. Collection method: clinical testing. Allele origin: germline. Affected: yes.
Comment: Frameshift variant predicted to result in protein truncation or nonsense mediated decay in a gene for which loss of function is a known mechanism of disease; Not observed at significant frequency in large population cohorts (gnomAD); Also known as del1074-1087; This variant is associated with the following publications: (PMID: 1483695, 1809231)

OMIM
Classification: Pathogenic for PERSISTENT MULLERIAN DUCT SYNDROME, TYPE I. Last evaluated: 1992-12-01. Review status: no assertion criteria provided. Collection method: literature only. Allele origin: germline. Not counted in ClinVar's aggregate classification.

Literature cited by the submitters: PubMed 1483695 (cited by OMIM); PubMed 1809231 (cited by OMIM).

NM_000479.5(AMH):c.472_485del (p.Pro158fs)

Gene: AMH (anti-Mullerian hormone; plus strand). Cytogenetic location: 19p13.3.
Variant type: Deletion.
Coding change: c.472_485del on transcript NM_000479.5 (MANE Select); coding-DNA positions 472 to 485, 14 bases deleted (CCCCCAGAGCTGGC).
Protein change: p.Pro158fs; shifts the reading frame from proline 158.
Molecular consequence: frameshift variant.
Genome position (GRCh38, 1-based): chr19:2,250,396-2,250,409, CCCCCAGAGCTGGC deleted; deleting any 14 consecutive bases within chr19:2,250,388-2,250,409 gives the same sequence; the c. name uses the placement nearest the transcript's 3' end. VCF-style (leftmost placement, unchanged base first): chr19-2250387-GGAGCTGGCCCCCCA-G. GRCh37 (hg19) VCF-style: chr19-2250386-GGAGCTGGCCCCCCA-G.
Other names: c.472_485del (NM_000479.3); short protein forms P158fs.
Identifiers: ClinVar variation 8623 (VCV000008623.2), dbSNP rs774592796, ClinGen allele CA9062871.